The following is an entry in ClinVar:

ClinVar aggregate classification (germline): Uncertain significance. Review status: criteria provided, multiple submitters, no conflicts (2 of 4 stars). 2 submissions from 2 submitters: Uncertain significance (2). Last evaluated 2024-03-07.

Conditions:
Inborn genetic diseases. Identifiers: MedGen C0950123, MeSH D030342.

Allele frequency attached by ClinVar (database versions not stated): gnomAD 0.00004 and 0.00005.
gnomAD v4.1: 63 of 1,534,534 alleles (0.0041%); highest among the groups gnomAD compares: Non-Finnish European, 0.0052%; no homozygotes.

Submissions (2):

Ambry Genetics
Classification: Uncertain significance for Inborn genetic diseases. Last evaluated: 2024-03-07. Review status: criteria provided, single submitter. Criteria: Ambry Variant Classification Scheme 2023. Collection method: clinical testing. Allele origin: germline.

Labcorp Genetics (formerly Invitae), Labcorp
Classification: Uncertain significance. Last evaluated: 2022-11-08. Review status: criteria provided, single submitter. Criteria: Invitae Variant Classification Sherloc (09022015). Collection method: clinical testing. Allele origin: germline.
Comment: This sequence change replaces arginine, which is basic and polar, with glutamine, which is neutral and polar, at codon 58 of the PIEZO2 protein (p.Arg58Gln). In summary, the available evidence is currently insufficient to determine the role of this variant in disease. Therefore, it has been classified as a Variant of Uncertain Significance. Advanced modeling of protein sequence and biophysical properties (such as structural, functional, and spatial information, amino acid conservation, physicochemical variation, residue mobility, and thermodynamic stability) performed at Invitae indicates that this missense variant is not expected to disrupt PIEZO2 protein function. ClinVar contains an entry for this variant (Variation ID: 1507057). This variant has not been reported in the literature in individuals affected with PIEZO2-related conditions. This variant is present in population databases (no rsID available, gnomAD 0.008%).

NM_001378183.1(PIEZO2):c.173G>A (p.Arg58Gln)

Gene: PIEZO2 (piezo type mechanosensitive ion channel component 2; minus strand). Cytogenetic location: 18p11.21.
Variant type: single nucleotide variant.
Coding change: c.173G>A on transcript NM_001378183.1 (MANE Select); coding-DNA position 173, G replaced by A.
Protein change: p.Arg58Gln; replaces arginine 58 with glutamine.
Molecular consequence: missense variant.
Genome position (GRCh38, 1-based): chr18:10,979,648, C>T on the plus strand (G>A on the coding strand, the complement: PIEZO2 is on the minus strand). VCF-style: chr18-10979648-C-T. GRCh37 (hg19) VCF-style: chr18-10979646-C-T.
Other names: c.173G>A, p.Arg58Gln (NM_022068.4); c.173G>A (NM_022068.2); short protein forms R58Q.
Identifiers: ClinVar variation 1507057 (VCV001507057.7), dbSNP rs879674484, ClinGen allele CA296599940.